The following is an entry in ClinVar:

NM_016239.4(MYO15A):c.2860T>C (p.Ser954Pro)

Gene: MYO15A (myosin XVA; plus strand). Cytogenetic location: 17p11.2.
Variant type: single nucleotide variant.
Coding change: c.2860T>C on transcript NM_016239.4 (MANE Select); coding-DNA position 2860, T replaced by C.
Protein change: p.Ser954Pro; replaces serine 954 with proline.
Molecular consequence: missense variant.
Genome position (GRCh38, 1-based): chr17:18,121,660, T>C. VCF-style: chr17-18121660-T-C. GRCh37 (hg19) VCF-style: chr17-18024974-T-C.
Other names: p.Ser954Pro; short protein forms S954P.
Identifiers: ClinVar variation 4542135 (VCV004542135.1).

ClinVar aggregate classification (germline): Uncertain significance (1 of 4 stars; one submission).

gnomAD v4.1: 6 of 1,606,122 alleles (0.00037%); highest among the groups gnomAD compares: Admixed American, 0.005%; no homozygotes.

Submission:

Mayo Clinic Laboratories, Mayo Clinic
Classification: Uncertain significance. Last evaluated: 2025-02-06. Review status: criteria provided, single submitter. Criteria: ACMG Guidelines, 2015. Collection method: clinical testing. Allele origin: germline. Observed: 1 variant allele.
Comment: PM2_moderate